The following is an entry in ClinVar:

ClinVar aggregate classification (germline): Uncertain significance (1 of 4 stars; one submission).

Conditions:
Agammaglobulinemia 4, autosomal recessive (AGM4). Also called: B cell linker protein deficiency; AGAMMAGLOBULINEMIA, AUTOSOMAL RECESSIVE, DUE TO BLNK DEFECT. Identifiers: MedGen C3150752, MONDO:0013289, OMIM 613502.

Submission:

Labcorp Genetics (formerly Invitae), Labcorp
Classification: Uncertain significance for Agammaglobulinemia 4, autosomal recessive. Last evaluated: 2023-07-10. Review status: criteria provided, single submitter. Criteria: Invitae Variant Classification Sherloc (09022015). Collection method: clinical testing. Allele origin: germline.
Comment: In summary, the available evidence is currently insufficient to determine the role of this variant in disease. Therefore, it has been classified as a Variant of Uncertain Significance. This variant has not been reported in the literature in individuals affected with BLNK-related conditions. This variant results in a copy number gain of the genomic region encompassing exon(s) 1 of the BLNK gene. This region includes the initiator codon of the gene. This copy number gain extends beyond the assayed region for this gene and therefore may encompass additional genes. As the precise location of this event is unknown, it may be in tandem or it may be located elsewhere in the genome.

NC_000010.10:g.(?_98031089)_(98031175_?)dup

Gene: BLNK (B cell linker; minus strand). Cytogenetic location: 10q24.1.
Variant type: Duplication.
Identifiers: ClinVar variation 641552 (VCV000641552.5).